The following is an entry in ClinVar:

NM_000052.7(ATP7A):c.4223A>G (p.Lys1408Arg)

Gene: ATP7A (ATPase copper transporting alpha; plus strand). Cytogenetic location: Xq21.1.
Variant type: single nucleotide variant.
Coding change: c.4223A>G on transcript NM_000052.7 (MANE Select); coding-DNA position 4223, A replaced by G.
Protein change: p.Lys1408Arg; replaces lysine 1408 with arginine.
Molecular consequence: missense variant. On other transcripts: non-coding transcript variant (1).
Genome position (GRCh38, 1-based): chrX:78,045,569, A>G. VCF-style: chrX-78045569-A-G. GRCh37 (hg19) VCF-style: chrX-77301066-A-G.
Other names: c.3989A>G, p.Lys1330Arg (NM_001282224.2); short protein forms K1330R, K1408R.
Identifiers: ClinVar variation 2420632 (VCV002420632.6), dbSNP rs936157944, ClinGen allele CA331110132.

ClinVar aggregate classification (germline): Uncertain significance (1 of 4 stars; one submission).

Conditions:
X-linked distal spinal muscular atrophy type 3. Also called: NEURONOPATHY, DISTAL HEREDITARY MOTOR, X-LINKED; NEUROPATHY, DISTAL HEREDITARY MOTOR, X-LINKED; ATP7A-Related Distal Motor Neuropathy; SPINAL MUSCULAR ATROPHY, DISTAL, X-LINKED RECESSIVE. Identifiers: Orphanet 139557, MedGen C1845359, MONDO:0010338, OMIM 300489.
Menkes kinky-hair syndrome (MNK). Also called: Classic Menkes Disease; Copper transport disease; Menkes Disease. Identifiers: Orphanet 565, MedGen C0022716, MONDO:0010651, OMIM 309400.
Cutis laxa, X-linked (OHS). Also called: EDS IX; Occipital horn syndrome. Identifiers: Orphanet 198, MedGen C0268353, MONDO:0010572, OMIM 304150.

gnomAD v4.1: 1 of 1,186,007 alleles (0.000084%); no homozygotes.

Submission:

Labcorp Genetics (formerly Invitae), Labcorp
Classification: Uncertain significance for X-linked distal spinal muscular atrophy type 3; Cutis laxa, X-linked; Menkes kinky-hair syndrome. Last evaluated: 2025-06-27. Review status: criteria provided, single submitter. Criteria: Invitae Variant Classification Sherloc (09022015). Collection method: clinical testing. Allele origin: germline.
Comment: This sequence change replaces lysine, which is basic and polar, with arginine, which is basic and polar, at codon 1408 of the ATP7A protein (p.Lys1408Arg). This variant is not present in population databases (gnomAD no frequency). This variant has not been reported in the literature in individuals affected with ATP7A-related conditions. ClinVar contains an entry for this variant (Variation ID: 2420632). Invitae Evidence Modeling of protein sequence and biophysical properties (such as structural, functional, and spatial information, amino acid conservation, physicochemical variation, residue mobility, and thermodynamic stability) indicates that this missense variant is not expected to disrupt ATP7A protein function with a negative predictive value of 95%. In summary, the available evidence is currently insufficient to determine the role of this variant in disease. Therefore, it has been classified as a Variant of Uncertain Significance.